The following is an entry in ClinVar:

ClinVar aggregate classification (germline): Benign. Review status: criteria provided, multiple submitters, no conflicts (2 of 4 stars). 2 submissions from 2 submitters: Benign (2). Last evaluated 2018-06-16.

Allele frequency attached by ClinVar (database versions not stated): gnomAD 0.16560 and 0.17478; TOPMed 0.18080; gnomAD exomes 0.23049; ExAC 0.23262; 1000 Genomes Project 0.24840; 1000 Genomes Project 30x 0.23751.
gnomAD v4.1: 262,284 of 1,268,450 alleles (21%); highest among the groups gnomAD compares: East Asian, 49%; 30,545 homozygotes.

Submissions (4):

GeneDx
Classification: Benign. Last evaluated: 2018-06-16. Review status: criteria provided, single submitter. Criteria: GeneDx Variant Classification (06012015). Collection method: clinical testing. Allele origin: germline. Affected: yes.
Comment: This variant is considered likely benign or benign based on one or more of the following criteria: it is a conservative change, it occurs at a poorly conserved position in the protein, it is predicted to be benign by multiple in silico algorithms, and/or has population frequency not consistent with disease.

Breakthrough Genomics
Classification: Benign. Review status: criteria provided, single submitter. Criteria: ACMG Guidelines, 2015. Collection method: not provided. Allele origin: germline. Inheritance: Autosomal recessive inheritance. Affected: yes.

Dr. Peter K. Rogan Lab, Western University
No classification provided (evidence only). Condition: Uterine carcinosarcoma. Review status: no classification provided. Collection method: in vitro. Allele origin: not applicable. Functional consequence: skipped exon, retained intron. Not counted in ClinVar's aggregate classification.

Dr. Peter K. Rogan Lab, Western University
No classification provided (evidence only). Condition: Uterine carcinosarcoma. Review status: no classification provided. Collection method: in vitro. Allele origin: not applicable. Functional consequence: skipped exon, retained intron. Not counted in ClinVar's aggregate classification.

NM_005592.4(MUSK):c.629-5606G>A

Gene: MUSK (muscle associated receptor tyrosine kinase; plus strand). Cytogenetic location: 9q31.3.
Variant type: single nucleotide variant.
Coding change: c.629-5606G>A on transcript NM_005592.4 (MANE Select); 5606 bases into the intron before coding-DNA position 629, G replaced by A.
Molecular consequence: intron variant.
Genome position (GRCh38, 1-based): chr9:110,728,645, G>A. VCF-style: chr9-110728645-G-A. GRCh37 (hg19) VCF-style: chr9-113490925-G-A.
Other names: NC_000009.11:g.113490925G>A; c.629-43G>A (NM_001166280.2); c.629-5606G>A (NM_001166281.2); c.-609+350G>A (NM_001369398.1).
Identifiers: ClinVar variation 684086 (VCV000684086.3), dbSNP rs12551974, ClinGen allele CA5184098.
Genomic context (GRCh38, chr9:110,728,645, plus strand): 5'-GCACAACTGATGTTTCTGTGGTCAAAGATTTCCCTTTTCATGATGTGTTGTTTTGTTTGC[G>A]TGTTTATTGTGTGTGTTTGTTTTGTCTTGTTTTTATTAACAGAAGAAAGTGAACCCGAAC-3'